The following is an entry in ClinVar:

ClinVar aggregate classification (germline): Uncertain significance. Review status: criteria provided, multiple submitters, no conflicts (2 of 4 stars). 2 submissions from 2 submitters: Uncertain significance (2). Last evaluated 2025-12-15.

Conditions:
Hereditary cancer-predisposing syndrome. Also called: Tumor predisposition; Hereditary neoplastic syndrome; Neoplastic Syndromes, Hereditary; Hereditary Cancer Syndrome. Identifiers: Orphanet 140162, MedGen C0027672, MeSH D009386, MONDO:0015356.
Neuroblastoma, susceptibility to, 3. Also called: ALK-Related Neuroblastic Tumor Susceptibility. Identifiers: Orphanet 635, MedGen C2751681, MONDO:0013083, OMIM 613014.

Allele frequency attached by ClinVar (database versions not stated): gnomAD 0.00001; gnomAD exomes 0.00001; TOPMed 0.00001.
gnomAD v4.1: 1 of 1,613,994 alleles (0.000062%); highest among the groups gnomAD compares: East Asian, 0.0022%; no homozygotes.

Submissions (2):

Labcorp Genetics (formerly Invitae), Labcorp
Classification: Uncertain significance for Neuroblastoma, susceptibility to, 3. Last evaluated: 2025-12-15. Review status: criteria provided, single submitter. Criteria: Invitae Variant Classification Sherloc (09022015). Collection method: clinical testing. Allele origin: germline.
Comment: This sequence change replaces proline, which is neutral and non-polar, with leucine, which is neutral and non-polar, at codon 1403 of the ALK protein (p.Pro1403Leu). This variant is present in population databases (no rsID available, gnomAD 0.02%). This variant has not been reported in the literature in individuals affected with ALK-related conditions. ClinVar contains an entry for this variant (Variation ID: 937757). An algorithm developed to predict the effect of missense changes on protein structure and function (PolyPhen-2) suggests that this variant is likely to be disruptive. In summary, the available evidence is currently insufficient to determine the role of this variant in disease. Therefore, it has been classified as a Variant of Uncertain Significance.

Ambry Genetics
Classification: Uncertain significance for Hereditary cancer-predisposing syndrome. Last evaluated: 2025-03-27. Review status: criteria provided, single submitter. Criteria: Ambry Variant Classification Scheme 2023. Collection method: clinical testing. Allele origin: germline.
Comment: The p.P1403L variant (also known as c.4208C>T), located in coding exon 29 of the ALK gene, results from a C to T substitution at nucleotide position 4208. The proline at codon 1403 is replaced by leucine, an amino acid with similar properties. This amino acid position is conserved. In addition, the in silico prediction for this alteration is inconclusive. Since supporting evidence is limited at this time, the clinical significance of this alteration remains unclear.

NM_004304.5(ALK):c.4208C>T (p.Pro1403Leu)

Gene: ALK (ALK receptor tyrosine kinase; minus strand). Cytogenetic location: 2p23.2.
Variant type: single nucleotide variant.
Coding change: c.4208C>T on transcript NM_004304.5 (MANE Select); coding-DNA position 4208, C replaced by T.
Protein change: p.Pro1403Leu; replaces proline 1403 with leucine.
Molecular consequence: missense variant.
Genome position (GRCh38, 1-based): chr2:29,193,879, G>A on the plus strand (C>T on the coding strand, the complement: ALK is on the minus strand). VCF-style: chr2-29193879-G-A. GRCh37 (hg19) VCF-style: chr2-29416745-G-A.
Other names: c.1004C>T, p.Pro335Leu (NM_001353765.2); short protein forms P1403L, P335L.
Identifiers: ClinVar variation 937757 (VCV000937757.11), dbSNP rs1212504281, ClinGen allele CA346463312.
Genomic context (GRCh38, chr2:29,193,879, plus strand): 5'-GGAGGAACCCCCTCAGGGTCCTTGGGCCTCACAGGCACTTTCTCTTCCTCTTCCACAAGT[G>A]GACCATATTCTATCGGCAAAGCGGTGTTGATTACATCCGGGTCCTGCCGTAGGGGAAATT-3'
Protein context (NP_004295.2, residues 1393-1413): INTALPIEYG[Pro1403Leu]LVEEEEKVPV